The following is an entry in ClinVar:

ClinVar aggregate classification (germline): Uncertain significance. Review status: criteria provided, multiple submitters, no conflicts (2 of 4 stars). 2 submissions from 2 submitters: Uncertain significance (2). Last evaluated 2025-09-11.

Conditions:
Inborn genetic diseases. Identifiers: MedGen C0950123, MeSH D030342.
Amyotrophic lateral sclerosis type 1 (ALS1). Also called: AMYOTROPHIC LATERAL SCLEROSIS 1, FAMILIAL. Identifiers: Orphanet 803, MedGen C1862939, MONDO:0007103, OMIM 105400.
Perry syndrome. Also called: PARKINSONISM WITH ALVEOLAR HYPOVENTILATION AND MENTAL DEPRESSION. Identifiers: Orphanet 178509, MedGen C1868594, MONDO:0008201, OMIM 168605.
Neuronopathy, distal hereditary motor, type 7B. Also called: LOWER MOTOR NEURON DISEASE, DYNACTIN TYPE; HMN VIIB; NEURONOPATHY, DISTAL HEREDITARY MOTOR, AUTOSOMAL DOMINANT 14; NEURONOPATHY, DISTAL HEREDITARY MOTOR, HARDING TYPE VIIB; NEUROPATHY, DISTAL HEREDITARY MOTOR, HARDING TYPE VIIB; NEUROPATHY, DISTAL HEREDITARY MOTOR, WITH VOCAL CORD PARALYSIS, HARDING TYPE VIIB. Identifiers: Orphanet 139589, MedGen C1843315, MONDO:0011879, OMIM 607641.

Allele frequency attached by ClinVar (database versions not stated): gnomAD exomes below 0.00001; TOPMed below 0.00001; ExAC 0.00001; gnomAD 0.00001.
gnomAD v4.1: 20 of 1,614,020 alleles (0.0012%); highest among the groups gnomAD compares: South Asian, 0.0066%; no homozygotes.

Submissions (2):

Labcorp Genetics (formerly Invitae), Labcorp
Classification: Uncertain significance for Amyotrophic lateral sclerosis type 1; Neuronopathy, distal hereditary motor, type 7B; Perry syndrome. Last evaluated: 2025-09-11. Review status: criteria provided, single submitter. Criteria: Invitae Variant Classification Sherloc (09022015). Collection method: clinical testing. Allele origin: germline.
Comment: This sequence change replaces alanine, which is neutral and non-polar, with valine, which is neutral and non-polar, at codon 494 of the DCTN1 protein (p.Ala494Val). This variant is present in population databases (rs761331951, gnomAD 0.003%). This missense change has been observed in individual(s) with amyotrophic lateral sclerosis (PMID: 34544842). ClinVar contains an entry for this variant (Variation ID: 644603). Invitae Evidence Modeling of protein sequence and biophysical properties (such as structural, functional, and spatial information, amino acid conservation, physicochemical variation, residue mobility, and thermodynamic stability) indicates that this missense variant is not expected to disrupt DCTN1 protein function with a negative predictive value of 95%. In summary, the available evidence is currently insufficient to determine the role of this variant in disease. Therefore, it has been classified as a Variant of Uncertain Significance.

Ambry Genetics
Classification: Uncertain significance for Inborn genetic diseases. Last evaluated: 2020-03-12. Review status: criteria provided, single submitter. Criteria: Ambry Variant Classification Scheme 2023. Collection method: clinical testing. Allele origin: germline.
Comment: The p.A494V variant (also known as c.1481C>T), located in coding exon 14 of the DCTN1 gene, results from a C to T substitution at nucleotide position 1481. The alanine at codon 494 is replaced by valine, an amino acid with similar properties. This amino acid position is highly conserved in available vertebrate species. In addition, the in silico prediction for this alteration is inconclusive. Since supporting evidence is limited at this time, the clinical significance of this alteration remains unclear.

Literature cited by the submitters: PubMed 34544842 (cited by Labcorp Genetics (formerly Invitae), Labcorp).

NM_004082.5(DCTN1):c.1481C>T (p.Ala494Val)

Gene: DCTN1 (dynactin subunit 1; minus strand). Cytogenetic location: 2p13.1.
Variant type: single nucleotide variant.
Coding change: c.1481C>T on transcript NM_004082.5 (MANE Select); coding-DNA position 1481, C replaced by T.
Protein change: p.Ala494Val; replaces alanine 494 with valine.
Molecular consequence: missense variant. On other transcripts: non-coding transcript variant (1).
Genome position (GRCh38, 1-based): chr2:74,369,403, G>A on the plus strand (C>T on the coding strand, the complement: DCTN1 is on the minus strand). VCF-style: chr2-74369403-G-A. GRCh37 (hg19) VCF-style: chr2-74596530-G-A.
Other names: c.1421C>T, p.Ala474Val (NM_001135040.3); c.1079C>T, p.Ala360Val (NM_001135041.3, NM_023019.4); c.1370C>T, p.Ala457Val (NM_001190836.2); c.1460C>T, p.Ala487Val (NM_001190837.2); c.1430C>T, p.Ala477Val (NM_001378991.1); c.1412C>T, p.Ala471Val (NM_001378992.1); short protein forms A360V, A457V, A474V, A494V, A487V, A471V, A477V.
Identifiers: ClinVar variation 644603 (VCV000644603.13), dbSNP rs761331951, ClinGen allele CA1722137.